The following is an entry in ClinVar:

ClinVar aggregate classification (germline): Uncertain significance (1 of 4 stars; one submission).

Conditions:
Noonan syndrome 9 (NS9). Identifiers: Orphanet 648, MedGen C4225282, MONDO:0014691, OMIM 616559.

Allele frequency attached by ClinVar (database versions not stated): ExAC 0.00001; gnomAD 0.00001.
gnomAD v4.1: 9 of 1,613,434 alleles (0.00056%); highest among the groups gnomAD compares: Admixed American, 0.0017%; no homozygotes.

Submission:

Labcorp Genetics (formerly Invitae), Labcorp
Classification: Uncertain significance for Noonan syndrome 9. Last evaluated: 2025-04-21. Review status: criteria provided, single submitter. Criteria: Invitae Variant Classification Sherloc (09022015). Collection method: clinical testing. Allele origin: germline.
Comment: This sequence change replaces arginine, which is basic and polar, with glutamine, which is neutral and polar, at codon 550 of the SOS2 protein (p.Arg550Gln). This variant is present in population databases (rs750617087, gnomAD 0.0008%). This variant has not been reported in the literature in individuals affected with SOS2-related conditions. ClinVar contains an entry for this variant (Variation ID: 2031995). Invitae Evidence Modeling of protein sequence and biophysical properties (such as structural, functional, and spatial information, amino acid conservation, physicochemical variation, residue mobility, and thermodynamic stability) has been performed for this missense variant. However, the output from this modeling did not meet the statistical confidence thresholds required to predict the impact of this variant on SOS2 protein function. In summary, the available evidence is currently insufficient to determine the role of this variant in disease. Therefore, it has been classified as a Variant of Uncertain Significance.

NM_006939.4(SOS2):c.1649G>A (p.Arg550Gln)

Gene: SOS2 (SOS Ras/Rho guanine nucleotide exchange factor 2; minus strand). Cytogenetic location: 14q21.3.
Variant type: single nucleotide variant.
Coding change: c.1649G>A on transcript NM_006939.4 (MANE Select); coding-DNA position 1649, G replaced by A.
Protein change: p.Arg550Gln; replaces arginine 550 with glutamine.
Molecular consequence: missense variant.
Genome position (GRCh38, 1-based): chr14:50,159,634, C>T on the plus strand (G>A on the coding strand, the complement: SOS2 is on the minus strand). VCF-style: chr14-50159634-C-T. GRCh37 (hg19) VCF-style: chr14-50626352-C-T.
Other names: c.1550G>A, p.Arg517Gln (NM_001411020.1); short protein forms R517Q, R550Q.
Identifiers: ClinVar variation 2031995 (VCV002031995.4), dbSNP rs750617087, ClinGen allele CA7177255.